The following is an entry in ClinVar:

ClinVar aggregate classification (germline): Uncertain significance (1 of 4 stars; one submission).

Allele frequency attached by ClinVar (database versions not stated): gnomAD exomes 0.00001; ExAC 0.00002; gnomAD 0.00005; TOPMed 0.00007; ESP Exome Variant Server 0.00015.
gnomAD v4.1: 21 of 1,613,790 alleles (0.0013%); highest among the groups gnomAD compares: African/African-American, 0.023%; no homozygotes.

Submission:

Labcorp Genetics (formerly Invitae), Labcorp
Classification: Uncertain significance. Last evaluated: 2024-12-16. Review status: criteria provided, single submitter. Criteria: Invitae Variant Classification Sherloc (09022015). Collection method: clinical testing. Allele origin: germline.
Comment: This sequence change replaces alanine, which is neutral and non-polar, with serine, which is neutral and polar, at codon 507 of the PLG protein (p.Ala507Ser). This variant is present in population databases (rs138011858, gnomAD 0.04%). This variant has not been reported in the literature in individuals affected with PLG-related conditions. ClinVar contains an entry for this variant (Variation ID: 2188948). Invitae Evidence Modeling of protein sequence and biophysical properties (such as structural, functional, and spatial information, amino acid conservation, physicochemical variation, residue mobility, and thermodynamic stability) indicates that this missense variant is not expected to disrupt PLG protein function with a negative predictive value of 80%. In summary, the available evidence is currently insufficient to determine the role of this variant in disease. Therefore, it has been classified as a Variant of Uncertain Significance.

NM_000301.5(PLG):c.1519G>T (p.Ala507Ser)

Gene: PLG (plasminogen; plus strand). Cytogenetic location: 6q26.
Variant type: single nucleotide variant.
Coding change: c.1519G>T on transcript NM_000301.5 (MANE Select); coding-DNA position 1519, G replaced by T.
Protein change: p.Ala507Ser; replaces alanine 507 with serine.
Molecular consequence: missense variant.
Genome position (GRCh38, 1-based): chr6:160,731,825, G>T. VCF-style: chr6-160731825-G-T. GRCh37 (hg19) VCF-style: chr6-161152857-G-T.
Other names: short protein forms A507S.
Identifiers: ClinVar variation 2188948 (VCV002188948.4), dbSNP rs138011858, ClinGen allele CA4087808.